The following is an entry in ClinVar:

ClinVar aggregate classification (germline): Conflicting classifications of pathogenicity. Review status: criteria provided, conflicting classifications (1 of 4 stars). 6 submissions from 6 submitters: Likely pathogenic (2); Uncertain significance (4). Last evaluated 2026-08-28.

Conditions:
Cardiovascular phenotype. Identifiers: MedGen CN230736.
Hereditary cancer-predisposing syndrome. Also called: Tumor predisposition; Hereditary Cancer Syndrome; Hereditary neoplastic syndrome; Neoplastic Syndromes, Hereditary. Identifiers: Orphanet 140162, MedGen C0027672, MeSH D009386, MONDO:0015356.
LZTR1-related disorder. Also called: LZTR1-related disorders; LZTR1-related condition.
LZTR1-related schwannomatosis. Also called: Schwannomatosis-2, susceptibility to; Schwannomatosis 2. Identifiers: Orphanet 93921, MedGen C3810283, MONDO:0014299, OMIM 615670.

Allele frequency attached by ClinVar (database versions not stated): gnomAD 0.00001; TOPMed 0.00001.
gnomAD v4.1: 25 of 1,597,280 alleles (0.0016%); highest among the groups gnomAD compares: Non-Finnish European, 0.002%; no homozygotes.

Submissions (6):

Ambry Genetics
Classification: Likely pathogenic for Cardiovascular phenotype; Hereditary cancer-predisposing syndrome. Last evaluated: 2026-08-28. Review status: criteria provided, single submitter. Criteria: Ambry Variant Classification Scheme 2023. Collection method: clinical testing. Allele origin: germline.
Comment: The c.1615G>A variant (also known as p.G539S), located in coding exon 14 of the LZTR1 gene, results from a G to A substitution at nucleotide position 1615. The amino acid change results in glycine to serine at codon 539, an amino acid with similar properties. However, this change occurs in the last base pair of coding exon 14, which makes it likely to have some effect on normal mRNA splicing. This variant was reported in individuals with features consistent with LZTR1-related schwannomatosis (Ambry internal data). This nucleotide position is highly conserved in available vertebrate species. In silico splice site analysis predicts that this alteration will weaken the native splice donor site and will result in the creation or strengthening of a novel splice donor site; however, direct evidence is insufficient at this time (Ambry internal data). Loss-of-function variants in LZTR1 are related to an increased risk for schwannomas and autosomal recessive Noonan syndrome; however, such associations with autosomal dominant Noonan syndrome have not been observed (Piotrowski A et al. Nat Genet. 2014 Feb;46:182-7; Yamamoto GL et al. J Med Genet. 2015 Jun;52:413-21; Johnston JJ et al. Genet Med. 2018 10;20:1175-1185). Based on the supporting evidence, this variant is likely pathogenic for an increased risk of LZTR1-related schwannomatosis (SWN) and would be expected to cause autosomal recessive Noonan syndrome when present along with a second pathogenic or likely pathogenic variant on the other allele; however, the association of this variant with autosomal dominant Noonan syndrome is unlikely.

GeneDx
Classification: Likely pathogenic. Last evaluated: 2026-02-17. Review status: criteria provided, single submitter. Criteria: GeneDx Variant Classification Process June 2021. Collection method: clinical testing. Allele origin: germline.
Comment: Identified in a patient with congenital heart defects in published literature; however, the variant was inherited from an unaffected parent andadditional clinical information was not provided (PMID: 39402625); Alters the last nucleotide of the exon and is predicted to destroy the splice donor site and result in aberrant splicing, although in the absence of functional evidence the actual effect of this sequence change is unknown; Not observed at significant frequency in large population cohorts (gnomAD); In silico analysis indicates that this missense variant does not alter protein structure/function; This variant is associated with the following publications: (PMID: 39402625)

Labcorp Genetics (formerly Invitae), Labcorp
Classification: Uncertain significance. Last evaluated: 2025-05-21. Review status: criteria provided, single submitter. Criteria: Invitae Variant Classification Sherloc (09022015). Collection method: clinical testing. Allele origin: germline.
Comment: This sequence change replaces glycine, which is neutral and non-polar, with serine, which is neutral and polar, at codon 539 of the LZTR1 protein (p.Gly539Ser). This variant also falls at the last nucleotide of exon 14, which is part of the consensus splice site for this exon. This variant is present in population databases (no rsID available, gnomAD 0.007%). This variant has not been reported in the literature in individuals affected with LZTR1-related conditions. ClinVar contains an entry for this variant (Variation ID: 997883). An algorithm developed to predict the effect of missense changes on protein structure and function (PolyPhen-2) suggests that this variant is likely to be tolerated. Variants that disrupt the consensus splice site are a relatively common cause of aberrant splicing (PMID: 17576681, 9536098). Algorithms developed to predict the effect of sequence changes on RNA splicing suggest that this variant may disrupt the consensus splice site. In summary, the available evidence is currently insufficient to determine the role of this variant in disease. Therefore, it has been classified as a Variant of Uncertain Significance.

PreventionGenetics, part of Exact Sciences
Classification: Uncertain significance for LZTR1-related condition. Last evaluated: 2023-09-13. Review status: criteria provided, single submitter. Criteria: ACMG Guidelines, 2015. Collection method: clinical testing. Allele origin: germline.
Comment: The LZTR1 c.1615G>A variant is predicted to result in the amino acid substitution p.Gly539Ser. To our knowledge, this variant has not been reported in the literature. This variant is reported in 0.0065% of alleles in individuals of European (Non-Finnish) descent in gnomAD. At this time, the clinical significance of this variant is uncertain due to the absence of conclusive functional and genetic evidence.

Baylor Genetics
Classification: Uncertain significance for LZTR1-related schwannomatosis. Last evaluated: 2023-08-05. Review status: criteria provided, single submitter. Criteria: ACMG Guidelines, 2015. Collection method: clinical testing. Allele origin: unknown.

Women's Health and Genetics/Laboratory Corporation of America, LabCorp
Classification: Uncertain significance. Last evaluated: 2021-02-22. Review status: criteria provided, single submitter. Criteria: LabCorp Variant Classification Summary - May 2015. Collection method: clinical testing. Allele origin: germline.
Comment: Variant summary: LZTR1 c.1615G>A (p.Gly539Ser) results in a non-conservative amino acid change located in the BTB/POZ domain of the encoded protein sequence. The variant impacts the last nucleotide in exon 14. Three of five in-silico tools predict a damaging effect of the variant on protein function. Several computational tools predict a significant impact on normal splicing: Three predict the variant abolishes a 5' splicing donor site. However, these predictions have yet to be confirmed by functional studies. The variant was absent in 230344 control chromosomes. The available data on variant occurrences in the general population are insufficient to allow any conclusion about variant significance. To our knowledge, no occurrence of c.1615G>A in individuals affected with Noonan Syndrome and no experimental evidence demonstrating its impact on protein function have been reported. No clinical diagnostic laboratories have submitted clinical-significance assessments for this variant to ClinVar after 2014. Based on the evidence outlined above, the variant was classified as uncertain significance.

Literature cited by the submitters: PubMed 17576681 (cited by Labcorp Genetics (formerly Invitae), Labcorp); PubMed 9536098 (cited by Labcorp Genetics (formerly Invitae), Labcorp).

NM_006767.4(LZTR1):c.1615G>A (p.Gly539Ser)

Gene: LZTR1 (leucine zipper like post translational regulator 1; plus strand). Cytogenetic location: 22q11.21.
Variant type: single nucleotide variant.
Coding change: c.1615G>A on transcript NM_006767.4 (MANE Select); coding-DNA position 1615, G replaced by A.
Protein change: p.Gly539Ser; replaces glycine 539 with serine.
Molecular consequence: missense variant.
Genome position (GRCh38, 1-based): chr22:20,994,269, G>A. VCF-style: chr22-20994269-G-A. GRCh37 (hg19) VCF-style: chr22-21348558-G-A.
Other names: short protein forms G539S.
Identifiers: ClinVar variation 997883 (VCV000997883.15), dbSNP rs1232362523, ClinGen allele CA410776288.